The following is an entry in ClinVar:

ClinVar aggregate classification (germline): Uncertain significance. Review status: criteria provided, multiple submitters, no conflicts (2 of 4 stars). 2 submissions from 2 submitters: Uncertain significance (2). Last evaluated 2022-06-24.

Conditions:
Inborn genetic diseases. Identifiers: MedGen C0950123, MeSH D030342.

Allele frequency attached by ClinVar (database versions not stated): gnomAD 0.00002.
gnomAD v4.1: 24 of 1,614,052 alleles (0.0015%); highest among the groups gnomAD compares: Middle Eastern, 0.016%; no homozygotes.

Submissions (2):

Labcorp Genetics (formerly Invitae), Labcorp
Classification: Uncertain significance. Last evaluated: 2022-06-24. Review status: criteria provided, single submitter. Criteria: Invitae Variant Classification Sherloc (09022015). Collection method: clinical testing. Allele origin: germline.
Comment: This sequence change replaces arginine, which is basic and polar, with histidine, which is basic and polar, at codon 349 of the COL27A1 protein (p.Arg349His). This variant is not present in population databases (gnomAD no frequency). This variant has not been reported in the literature in individuals affected with COL27A1-related conditions. Advanced modeling of protein sequence and biophysical properties (such as structural, functional, and spatial information, amino acid conservation, physicochemical variation, residue mobility, and thermodynamic stability) performed at Invitae indicates that this missense variant is not expected to disrupt COL27A1 protein function. In summary, the available evidence is currently insufficient to determine the role of this variant in disease. Therefore, it has been classified as a Variant of Uncertain Significance.

Ambry Genetics
Classification: Uncertain significance for Inborn genetic diseases. Last evaluated: 2021-07-14. Review status: criteria provided, single submitter. Criteria: Ambry Variant Classification Scheme 2023. Collection method: clinical testing. Allele origin: germline.

NM_032888.4(COL27A1):c.1046G>A (p.Arg349His)

Gene: COL27A1 (collagen type XXVII alpha 1 chain; plus strand). Cytogenetic location: 9q32.
Variant type: single nucleotide variant.
Coding change: c.1046G>A on transcript NM_032888.4 (MANE Select); coding-DNA position 1046, G replaced by A.
Protein change: p.Arg349His; replaces arginine 349 with histidine.
Molecular consequence: missense variant.
Genome position (GRCh38, 1-based): chr9:114,168,601, G>A. VCF-style: chr9-114168601-G-A. GRCh37 (hg19) VCF-style: chr9-116930881-G-A.
Other names: c.1046G>A (NM_032888.2); short protein forms R349H.
Identifiers: ClinVar variation 2180298 (VCV002180298.2), dbSNP rs1003403359, ClinGen allele CA198608281.